The following is an entry in ClinVar:

NM_001349338.3(FOXP1):c.1652+489C>G

Gene: FOXP1 (forkhead box P1; minus strand). Cytogenetic location: 3p13.
Variant type: single nucleotide variant.
Coding change: c.1652+489C>G on transcript NM_001349338.3 (MANE Select); 489 bases into the intron after coding-DNA position 1652, C replaced by G.
Molecular consequence: intron variant. On other transcripts: missense variant (1).
Genome position (GRCh38, 1-based): chr3:70,972,066, G>C on the plus strand (C>G on the coding strand, the complement: FOXP1 is on the minus strand). VCF-style: chr3-70972066-G-C. GRCh37 (hg19) VCF-style: chr3-71021217-G-C.
Other names: c.1645C>G, p.Arg549Gly (NM_001244810.2); c.1652+489C>G (NM_032682.6, NM_001349340.3, NM_001244816.2 and 1 more transcripts); c.1649+489C>G (NM_001349341.3, NM_001244808.3); c.1424+489C>G (NM_001244812.3); c.1349+489C>G (NM_001349343.3, NM_001349337.2, NM_001370548.1 and 1 more transcripts); c.1352+489C>G (NM_001349342.3, NM_001244815.2, NM_001244813.3); short protein forms R549G.
Identifiers: ClinVar variation 3251149 (VCV003251149.18), dbSNP rs1373272325.

ClinVar aggregate classification (germline): Uncertain significance (1 of 4 stars; one submission).

Submission:

CeGaT Center for Human Genetics Tuebingen
Classification: Uncertain significance. Last evaluated: 2024-06-01. Review status: criteria provided, single submitter. Criteria: CeGaT Center For Human Genetics Tuebingen Variant Classification Criteria Version 2. Collection method: clinical testing. Allele origin: germline. Affected: yes. Observed: 1 variant allele.
Comment: FOXP1: PM2